The following is an entry in ClinVar:

ClinVar aggregate classification (germline): Uncertain significance (1 of 4 stars; one submission).

Conditions:
Pitt-Hopkins-like syndrome 2 (PTHSL2). Identifiers: Orphanet 221150, Orphanet 600663, MedGen C3280479, MONDO:0013690, OMIM 614325.

Allele frequency attached by ClinVar (database versions not stated): gnomAD exomes below 0.00001.
gnomAD v4.1: 2 of 1,600,494 alleles (0.00012%); highest among the groups gnomAD compares: Non-Finnish European, 0.00017%; no homozygotes.

Submission:

Labcorp Genetics (formerly Invitae), Labcorp
Classification: Uncertain significance for Pitt-Hopkins-like syndrome 2. Last evaluated: 2021-08-15. Review status: criteria provided, single submitter. Criteria: Invitae Variant Classification Sherloc (09022015). Collection method: clinical testing. Allele origin: germline.
Comment: This sequence change replaces arginine with glutamine at codon 1293 of the NRXN1 protein (p.Arg1293Gln). The arginine residue is highly conserved and there is a small physicochemical difference between arginine and glutamine. This variant is not present in population databases (ExAC no frequency). This variant has not been reported in the literature in individuals with NRXN1-related conditions. Algorithms developed to predict the effect of missense changes on protein structure and function are either unavailable or do not agree on the potential impact of this missense change (SIFT: "Deleterious"; PolyPhen-2: "Probably Damaging"; Align-GVGD: "Class C0"). In summary, the available evidence is currently insufficient to determine the role of this variant in disease. Therefore, it has been classified as a Variant of Uncertain Significance.

NM_001330078.2(NRXN1):c.3758G>A (p.Arg1253Gln)

Gene: NRXN1 (neurexin 1; minus strand). Cytogenetic location: 2p16.3.
Variant type: single nucleotide variant.
Coding change: c.3758G>A on transcript NM_001330078.2 (MANE Select); coding-DNA position 3758, G replaced by A.
Protein change: p.Arg1253Gln; replaces arginine 1253 with glutamine.
Molecular consequence: missense variant. On other transcripts: intron variant (8).
Genome position (GRCh38, 1-based): chr2:50,055,005, C>T on the plus strand (G>A on the coding strand, the complement: NRXN1 is on the minus strand). VCF-style: chr2-50055005-C-T. GRCh37 (hg19) VCF-style: chr2-50282143-C-T.
Other names: c.3878G>A, p.Arg1293Gln (NM_001135659.3); c.3734G>A, p.Arg1245Gln (NM_001330077.2, NM_001330082.2); c.3692G>A, p.Arg1231Gln (NM_001330084.2); c.3731G>A, p.Arg1244Gln (NM_001330085.2); c.3758G>A, p.Arg1253Gln (NM_001330086.2); c.653G>A, p.Arg218Gln (NM_001330091.2, NM_001330092.2); c.3755G>A, p.Arg1252Gln (NM_001330093.2); c.3746G>A, p.Arg1249Gln (NM_001330094.2); and 6 more; short protein forms R1231Q, R1253Q, R1252Q, R218Q, R1245Q, R1244Q, R1249Q, R1293Q.
Identifiers: ClinVar variation 1431380 (VCV001431380.8), dbSNP rs1324954305, ClinGen allele CA346820131.
Genomic context (GRCh38, chr2:50,055,005, plus strand): 5'-TGTTTTTTACCTTTGTCGAGTAGCCATTCATCAACTACTCGACCAAGTCGATATGGAATT[C>T]GCTGTCTAGCAATCGCCAGGCGCTCGTTATCATTGTTTCCTTTAAAGTTTAAAGAGACAT-3'
Protein context (NP_001317007.1, residues 1243-1263): DNERLAIARQ[Arg1253Gln]IPYRLGRVVD